The following is an entry in ClinVar:

ClinVar aggregate classification (germline): Uncertain significance (1 of 4 stars; one submission).

Conditions:
Congenital myotonia, autosomal recessive form. Also called: Becker Generalized Myotonia; BECKER DISEASE; myotonia congenita, autosomal recessive. Identifiers: Orphanet 614, MedGen C0751360, MONDO:0009715, OMIM 255700.
Congenital myotonia, autosomal dominant form (THD). Also called: THOMSEN DISEASE; Myotonia congenita autosomal dominant. Identifiers: Orphanet 614, MedGen C2936781, MONDO:0008055, OMIM 160800.

Submission:

Labcorp Genetics (formerly Invitae), Labcorp
Classification: Uncertain significance for Congenital myotonia, autosomal recessive form; Congenital myotonia, autosomal dominant form. Last evaluated: 2024-04-06. Review status: criteria provided, single submitter. Criteria: Invitae Variant Classification Sherloc (09022015). Collection method: clinical testing. Allele origin: germline.
Comment: This sequence change affects codon 865 of the CLCN1 mRNA. It is a 'silent' change, meaning that it does not change the encoded amino acid sequence of the CLCN1 protein. This variant also falls at the last nucleotide of exon 22, which is part of the consensus splice site for this exon. This variant is not present in population databases (gnomAD no frequency). This variant has not been reported in the literature in individuals affected with CLCN1-related conditions. ClinVar contains an entry for this variant (Variation ID: 1469604). Variants that disrupt the consensus splice site are a relatively common cause of aberrant splicing (PMID: 17576681, 9536098). Algorithms developed to predict the effect of sequence changes on RNA splicing suggest that this variant may disrupt the consensus splice site. In summary, the available evidence is currently insufficient to determine the role of this variant in disease. Therefore, it has been classified as a Variant of Uncertain Significance.

Literature cited by the submitters: PubMed 17576681; PubMed 9536098.

NM_000083.3(CLCN1):c.2595G>A (p.Glu865=)

Gene: CLCN1 (chloride voltage-gated channel 1; plus strand). Cytogenetic location: 7q34.
Variant type: single nucleotide variant.
Coding change: c.2595G>A on transcript NM_000083.3 (MANE Select); coding-DNA position 2595, G replaced by A.
Protein change: p.Glu865=; no amino-acid change (glutamic acid 865 retained).
Molecular consequence: synonymous variant. On other transcripts: non-coding transcript variant (1).
Genome position (GRCh38, 1-based): chr7:143,350,654, G>A. VCF-style: chr7-143350654-G-A. GRCh37 (hg19) VCF-style: chr7-143047747-G-A.
Identifiers: ClinVar variation 1469604 (VCV001469604.6), dbSNP rs2116397852, ClinGen allele CA458288957.